The following is an entry in ClinVar:

NM_006517.5(SLC16A2):c.1293G>A (p.Met431Ile)

Gene: SLC16A2 (solute carrier family 16 member 2; plus strand). Cytogenetic location: Xq13.2.
Variant type: single nucleotide variant.
Coding change: c.1293G>A on transcript NM_006517.5 (MANE Select); coding-DNA position 1293, G replaced by A.
Protein change: p.Met431Ile; replaces methionine 431 with isoleucine.
Molecular consequence: missense variant.
Genome position (GRCh38, 1-based): chrX:74,529,335, G>A. VCF-style: chrX-74529335-G-A. GRCh37 (hg19) VCF-style: chrX-73749170-G-A.
Other names: short protein forms M431I.
Identifiers: ClinVar variation 2886653 (VCV002886653.3), dbSNP rs2519809144, ClinGen allele CA413658424.

ClinVar aggregate classification (germline): Uncertain significance (1 of 4 stars; one submission).

Conditions:
Spastic paraplegia. Identifiers: MedGen C0037772, HP:0001258.

Submission:

Labcorp Genetics (formerly Invitae), Labcorp
Classification: Uncertain significance for Spastic paraplegia. Last evaluated: 2023-12-19. Review status: criteria provided, single submitter. Criteria: Invitae Variant Classification Sherloc (09022015). Collection method: clinical testing. Allele origin: germline.
Comment: This sequence change replaces methionine, which is neutral and non-polar, with isoleucine, which is neutral and non-polar, at codon 431 of the SLC16A2 protein (p.Met431Ile). This variant is not present in population databases (gnomAD no frequency). This variant has not been reported in the literature in individuals affected with SLC16A2-related conditions. Advanced modeling of protein sequence and biophysical properties (such as structural, functional, and spatial information, amino acid conservation, physicochemical variation, residue mobility, and thermodynamic stability) performed at Invitae indicates that this missense variant is expected to disrupt SLC16A2 protein function with a positive predictive value of 80%. In summary, the available evidence is currently insufficient to determine the role of this variant in disease. Therefore, it has been classified as a Variant of Uncertain Significance.